The following is an entry in ClinVar:

NM_015937.6(PIGT):c.366-6A>G

Gene: PIGT (phosphatidylinositol glycan anchor biosynthesis class T; plus strand). Cytogenetic location: 20q13.12.
Variant type: single nucleotide variant.
Coding change: c.366-6A>G on transcript NM_015937.6 (MANE Select); 6 bases into the intron before coding-DNA position 366, A replaced by G.
Molecular consequence: intron variant.
Genome position (GRCh38, 1-based): chr20:45,418,846, A>G. VCF-style: chr20-45418846-A-G. GRCh37 (hg19) VCF-style: chr20-44047486-A-G.
Other names: c.366-6A>G (NM_001184729.3); c.326-449A>G (NM_001184728.3); c.188-449A>G (NM_001184730.3).
Identifiers: ClinVar variation 2228364 (VCV002228364.2), dbSNP rs201081759, ClinGen allele CA9877865.
Genomic context (GRCh38, chr20:45,418,846, plus strand): 5'-TGTGGACTTTGAAAGAGGGAGCAGAGGTAGCCCCAGGACAGTGAGTGGATTTGTGTCTCT[A>G]TCCAGTGTGGATAAATCTTGGAAGGAGCTCAGTAATGTCCTCTCAGGGATCTTCTGCGCC-3'

ClinVar aggregate classification (germline): Uncertain significance (1 of 4 stars; one submission).

Conditions:
Inborn genetic diseases. Identifiers: MedGen C0950123, MeSH D030342.

Allele frequency attached by ClinVar (database versions not stated): TOPMed 0.00002; ExAC 0.00003; gnomAD exomes 0.00004; 1000 Genomes Project 30x 0.00016; 1000 Genomes Project 0.00020.
gnomAD v4.1: 64 of 1,613,872 alleles (0.004%); highest among the groups gnomAD compares: Non-Finnish European, 0.0053%; no homozygotes.

Submission:

Ambry Genetics
Classification: Uncertain significance for Inborn genetic diseases. Last evaluated: 2021-12-09. Review status: criteria provided, single submitter. Criteria: Ambry Variant Classification Scheme 2023. Collection method: clinical testing. Allele origin: germline.
Comment: The c.366-6A>G intronic alteration consists of a A to G substitution 6 nucleotides before exon 3 of the PIGT gene. Based on insufficient or conflicting evidence, the clinical significance of this alteration remains unclear.